The following is an entry in ClinVar:

ClinVar aggregate classification (germline): Uncertain significance. Review status: reviewed by expert panel (3 of 4 stars). 3 submissions from 3 submitters: Uncertain significance (1). 2 of the submissions do not count toward it. Last evaluated 2025-02-28.

Conditions:
Angelman syndrome (AS). Also called: HAPPY PUPPET SYNDROME. Identifiers: Orphanet 72, MedGen C0162635, MONDO:0007113, OMIM 105830. Disease mechanism: loss of function. Inheritance: AS is caused by disruption of maternally imprinted UBE3A located within the 15q11.2-q13 Angelman syndrome/Prader-Willi syndrome (AS/PWS) region., imprinting disorder.

Allele frequency attached by ClinVar (database versions not stated): gnomAD exomes below 0.00001 and 0.00001; TOPMed below 0.00001; ExAC 0.00001; gnomAD 0.00001.
gnomAD v4.1: 11 of 1,613,908 alleles (0.00068%); highest among the groups gnomAD compares: African/African-American, 0.0013%; no homozygotes.

Submissions (3):

ClinGen Rett and Angelman-like Disorders Variant Curation Expert Panel
Classification: Uncertain significance for Angelman syndrome. Last evaluated: 2025-02-28. Review status: reviewed by expert panel. Criteria: ClinGen RettAS ACMG Specifications UBE3A V4.0.0. Collection method: curation. Allele origin: germline. Inheritance: Autosomal dominant inheritance.
Comment: However, PS4 cannot be applied because PM2 does not apply (PS4_not met). The highest population minor allele frequency of the p.Arg437Gln variant in UBE3A in gnomAD v4.1 is 0.00003 in "Remaining" populations (not sufficient to meet BS1 criteria). Computational prediction analysis tools are inconclusive for this variant (REVEL gives a score of 0.329). In summary, this variant meets the criteria to be classified as a Variant of Uncertain Significance for Angelman syndrome based on the ACMG/AMP criteria applied, as specified by the ClinGen Rett and Angelman-like Disorders VCEP (PS2, PP4). (UBE3A specifications version 4.0; 02/28/2025).

GeneDx
Classification: Uncertain significance. Last evaluated: 2025-10-20. Review status: criteria provided, single submitter. Criteria: GeneDx Variant Classification Process June 2021. Collection method: clinical testing. Allele origin: germline. Affected: yes. Not counted in ClinVar's aggregate classification.
Comment: In silico analysis supports that this missense variant has a deleterious effect on protein structure/function; Has not been previously published as pathogenic or benign to our knowledge

Labcorp Genetics (formerly Invitae), Labcorp
Classification: Uncertain significance for Angelman syndrome. Last evaluated: 2025-03-16. Review status: criteria provided, single submitter. Criteria: Invitae Variant Classification Sherloc (09022015). Collection method: clinical testing. Allele origin: germline. Not counted in ClinVar's aggregate classification.
Comment: This sequence change replaces arginine, which is basic and polar, with glutamine, which is neutral and polar, at codon 417 of the UBE3A protein (p.Arg417Gln). The frequency data for this variant in the population databases is considered unreliable, as metrics indicate poor data quality at this position in the gnomAD database. This variant has not been reported in the literature in individuals affected with UBE3A-related conditions. ClinVar contains an entry for this variant (Variation ID: 1399221). Invitae Evidence Modeling of protein sequence and biophysical properties (such as structural, functional, and spatial information, amino acid conservation, physicochemical variation, residue mobility, and thermodynamic stability) indicates that this missense variant is not expected to disrupt UBE3A protein function with a negative predictive value of 80%. In summary, the available evidence is currently insufficient to determine the role of this variant in disease. Therefore, it has been classified as a Variant of Uncertain Significance.

NM_130839.5(UBE3A):c.1310G>A (p.Arg437Gln)

Genes: SNHG14 (small nucleolar RNA host gene 14; plus strand), UBE3A (ubiquitin protein ligase E3A; minus strand). Cytogenetic location: 15q11.2.
Variant type: single nucleotide variant.
Coding change: c.1310G>A on transcript NM_130839.5 (MANE Select); coding-DNA position 1310, G replaced by A.
Protein change: p.Arg437Gln; replaces arginine 437 with glutamine.
Molecular consequence: missense variant. On other transcripts: non-coding transcript variant (1), intron variant (2).
Genome position (GRCh38, 1-based): chr15:25,370,864, C>T on the plus strand (G>A on the coding strand, the complement: UBE3A is on the minus strand). VCF-style: chr15-25370864-C-T. GRCh37 (hg19) VCF-style: chr15-25616011-C-T.
Other names: NM_130839.5(UBE3A):c.1310G>A; p.Arg437Gln; c.1250G>A, p.Arg417Gln (NM_001354507.2, NM_001354508.2, NM_001354509.2 and 17 more transcripts); c.1310G>A, p.Arg437Gln (NM_001354538.2, NM_001354545.2, NM_001354505.1); c.1133G>A, p.Arg378Gln (NM_001354546.2); c.301+4601G>A (NM_001354551.2); c.361+4601G>A (NM_001354550.2); c.1250G>A (NM_130838.1); and 1 more; short protein forms R378Q, R437Q, R417Q, R440Q.
Identifiers: ClinVar variation 1399221 (VCV001399221.10), dbSNP rs765813410, ClinGen allele CA7435542.
Genomic context (GRCh38, chr15:25,370,864, plus strand): 5'-ATTTCTAGAACCTCATTCAGTGGTTCATTAATAAACTCTTCAAAAGGGATAAGTGGTTTT[C>T]GACAATCCAGGGTTTTAACACCAAGTTCAGTTTCCAGGGGGTCCACTCGAGGACCTTTCT-3'
Protein context (NP_570854.1, residues 427-447): TELGVKTLDC[Arg437Gln]KPLIPFEEFI